The following is an entry in ClinVar:

ClinVar aggregate classification (germline): Uncertain significance. Review status: criteria provided, multiple submitters, no conflicts (2 of 4 stars). 2 submissions from 2 submitters: Uncertain significance (2). Last evaluated 2025-10-25.

Conditions:
Cardiovascular phenotype. Identifiers: MedGen CN230736.

Allele frequency attached by ClinVar (database versions not stated): gnomAD 0.00001; TOPMed 0.00001; gnomAD exomes 0.00002; ExAC 0.00002.
gnomAD v4.1: 34 of 1,613,944 alleles (0.0021%); highest among the groups gnomAD compares: Non-Finnish European, 0.0025%; no homozygotes.

Submissions (2):

Ambry Genetics
Classification: Uncertain significance for Cardiovascular phenotype. Last evaluated: 2025-10-25. Review status: criteria provided, single submitter. Criteria: Ambry Variant Classification Scheme 2023. Collection method: clinical testing. Allele origin: germline.
Comment: The p.L452F variant (also known as c.1356G>T), located in coding exon 9 of the ABCG8 gene, results from a G to T substitution at nucleotide position 1356. The leucine at codon 452 is replaced by phenylalanine, an amino acid with highly similar properties. This amino acid position is conserved. In addition, the in silico prediction for this alteration is inconclusive. Based on the available evidence, the clinical significance of this variant remains unclear.

Labcorp Genetics (formerly Invitae), Labcorp
Classification: Uncertain significance. Last evaluated: 2022-05-31. Review status: criteria provided, single submitter. Criteria: Invitae Variant Classification Sherloc (09022015). Collection method: clinical testing. Allele origin: germline.
Comment: This sequence change replaces leucine, which is neutral and non-polar, with phenylalanine, which is neutral and non-polar, at codon 452 of the ABCG8 protein (p.Leu452Phe). This variant is present in population databases (rs779292615, gnomAD 0.003%). This missense change has been observed in individual(s) with clinical features of ABCG8-related conditions (PMID: 32041611). Algorithms developed to predict the effect of missense changes on protein structure and function are either unavailable or do not agree on the potential impact of this missense change (SIFT: "Deleterious"; PolyPhen-2: "Possibly Damaging"; Align-GVGD: "Class C15"). In summary, the available evidence is currently insufficient to determine the role of this variant in disease. Therefore, it has been classified as a Variant of Uncertain Significance.

Literature cited by the submitters: PubMed 32041611 (cited by Labcorp Genetics (formerly Invitae), Labcorp).

NM_022437.3(ABCG8):c.1356G>T (p.Leu452Phe)

Gene: ABCG8 (ATP binding cassette subfamily G member 8; plus strand). Cytogenetic location: 2p21.
Variant type: single nucleotide variant.
Coding change: c.1356G>T on transcript NM_022437.3 (MANE Select); coding-DNA position 1356, G replaced by T.
Protein change: p.Leu452Phe; replaces leucine 452 with phenylalanine.
Molecular consequence: missense variant.
Genome position (GRCh38, 1-based): chr2:43,873,931, G>T. VCF-style: chr2-43873931-G-T. GRCh37 (hg19) VCF-style: chr2-44101070-G-T.
Other names: c.1356G>T (NM_022437.2); c.1353G>T, p.Leu451Phe (NM_001357321.2); short protein forms L451F, L452F.
Identifiers: ClinVar variation 2197519 (VCV002197519.3), dbSNP rs779292615, ClinGen allele CA1637412.
Genomic context (GRCh38, chr2:43,873,931, plus strand): 5'-CTTCCTCTATTTTGGCCATGGGAGCATCCAGCTCTCCTTCATGGATACAGCCGCCCTCTT[G>T]TTCATGATCGGTGCTCTCATCCCTTTCAACGTCATTCTGGATGTCATCTCCAAATGTGAG-3'
Protein context (NP_071882.1, residues 442-462): QLSFMDTAAL[Leu452Phe]FMIGALIPFN